The following is an entry in ClinVar:

NM_006073.4(TRDN):c.1186+16C>T

Gene: TRDN (triadin; minus strand). Cytogenetic location: 6q22.31.
Variant type: single nucleotide variant.
Coding change: c.1186+16C>T on transcript NM_006073.4 (MANE Select); 16 bases into the intron after coding-DNA position 1186, C replaced by T.
Molecular consequence: intron variant.
Genome position (GRCh38, 1-based): chr6:123,381,354, G>A on the plus strand (C>T on the coding strand, the complement: TRDN is on the minus strand). VCF-style: chr6-123381354-G-A. GRCh37 (hg19) VCF-style: chr6-123702499-G-A.
Other names: c.1189+16C>T (NM_001251987.2).
Identifiers: ClinVar variation 259914 (VCV000259914.16), dbSNP rs3813328, ClinGen allele CA3984091.

ClinVar aggregate classification (germline): Benign. Review status: criteria provided, multiple submitters, no conflicts (2 of 4 stars). 7 submissions from 7 submitters: Benign (5). 2 of the submissions do not count toward it. Last evaluated 2026-02-04.

Conditions:
Catecholaminergic polymorphic ventricular tachycardia 1. Also called: RYR2-Related Catecholaminergic Polymorphic Ventricular Tachycardia; VENTRICULAR TACHYCARDIA, STRESS-INDUCED POLYMORPHIC 1; VENTRICULAR TACHYCARDIA, CATECHOLAMINERGIC POLYMORPHIC, 1, WITH OR WITHOUT ATRIAL DYSFUNCTION AND/OR DILATED CARDIOMYOPATHY. Identifiers: Orphanet 3286, MedGen C1631597, MONDO:0011484, OMIM 604772.

Allele frequency attached by ClinVar (database versions not stated): ESP Exome Variant Server 0.30345; TOPMed 0.32905; gnomAD 0.33405 and 0.35042; gnomAD exomes 0.41347; 1000 Genomes Project 30x 0.46284; ExAC 0.47353; 1000 Genomes Project 0.47624.
gnomAD v4.1: 560,101 of 1,543,182 alleles (36%); highest among the groups gnomAD compares: East Asian, 73%; 110,777 homozygotes.

Submissions (7):

Labcorp Genetics (formerly Invitae), Labcorp
Classification: Benign for Catecholaminergic polymorphic ventricular tachycardia 1. Last evaluated: 2026-02-04. Review status: criteria provided, single submitter. Criteria: Invitae Variant Classification Sherloc (09022015). Collection method: clinical testing. Allele origin: germline.

Blueprint Genetics
Classification: Benign. Last evaluated: 2024-11-27. Review status: criteria provided, single submitter. Criteria: ACMG Guidelines, 2015. Collection method: clinical testing. Allele origin: germline.

Women's Health and Genetics/Laboratory Corporation of America, LabCorp
Classification: Benign. Last evaluated: 2021-07-08. Review status: criteria provided, single submitter. Criteria: LabCorp Variant Classification Summary - May 2015. Collection method: clinical testing. Allele origin: germline.

GeneDx
Classification: Benign. Last evaluated: 2016-09-22. Review status: criteria provided, single submitter. Criteria: GeneDx Variant Classification (06012015). Collection method: clinical testing. Allele origin: germline. Affected: yes.
Comment: This variant is considered likely benign or benign based on one or more of the following criteria: it is a conservative change, it occurs at a poorly conserved position in the protein, it is predicted to be benign by multiple in silico algorithms, and/or has population frequency not consistent with disease.

PreventionGenetics, part of Exact Sciences
Classification: Benign. Review status: criteria provided, single submitter. Criteria: ACMG Guidelines, 2015. Collection method: clinical testing. Allele origin: germline.

Clinical Genetics, Academic Medical Center
Classification: Benign. Review status: no assertion criteria provided. Collection method: clinical testing. Allele origin: germline. Affected: yes. Study: VKGL Data-share Consensus. Not counted in ClinVar's aggregate classification.

Diagnostic Laboratory, Department of Genetics, University Medical Center Groningen
Classification: Benign. Review status: no assertion criteria provided. Collection method: clinical testing. Allele origin: germline. Affected: yes. Study: VKGL Data-share Consensus. Not counted in ClinVar's aggregate classification.